The following is an entry in ClinVar:

ClinVar aggregate classification (germline): Uncertain significance (1 of 4 stars; one submission).

Conditions:
Combined immunodeficiency due to STK4 deficiency (IMD110). Also called: T-cell immunodeficiency, recurrent infections, and autoimmunity with or without cardiac malformations; STK4 DEFICIENCY; MST1 DEFICIENCY. Identifiers: Orphanet 314689, MedGen C3553943, MONDO:0013934, OMIM 614868.

Allele frequency attached by ClinVar (database versions not stated): gnomAD 0.00001; gnomAD exomes 0.00001; TOPMed 0.00002.
gnomAD v4.1: 17 of 1,612,274 alleles (0.0011%); highest among the groups gnomAD compares: Non-Finnish European, 0.0014%; no homozygotes.

Submission:

Labcorp Genetics (formerly Invitae), Labcorp
Classification: Uncertain significance for Combined immunodeficiency due to STK4 deficiency. Last evaluated: 2022-02-14. Review status: criteria provided, single submitter. Criteria: Invitae Variant Classification Sherloc (09022015). Collection method: clinical testing. Allele origin: germline.
Comment: In summary, the available evidence is currently insufficient to determine the role of this variant in disease. Therefore, it has been classified as a Variant of Uncertain Significance. Advanced modeling of protein sequence and biophysical properties (such as structural, functional, and spatial information, amino acid conservation, physicochemical variation, residue mobility, and thermodynamic stability) performed at Invitae indicates that this missense variant is not expected to disrupt STK4 protein function. This variant has not been reported in the literature in individuals affected with STK4-related conditions. This variant is present in population databases (no rsID available, gnomAD 0.002%). This sequence change replaces glutamine, which is neutral and polar, with arginine, which is basic and polar, at codon 429 of the STK4 protein (p.Gln429Arg).

NM_006282.5(STK4):c.1286A>G (p.Gln429Arg)

Gene: STK4 (serine/threonine kinase 4; plus strand). Cytogenetic location: 20q13.12.
Variant type: single nucleotide variant.
Coding change: c.1286A>G on transcript NM_006282.5 (MANE Select); coding-DNA position 1286, A replaced by G.
Protein change: p.Gln429Arg; replaces glutamine 429 with arginine.
Molecular consequence: missense variant.
Genome position (GRCh38, 1-based): chr20:45,025,111, A>G. VCF-style: chr20-45025111-A-G. GRCh37 (hg19) VCF-style: chr20-43653752-A-G.
Other names: c.1286A>G, p.Gln429Arg (NM_001352385.2); short protein forms Q429R.
Identifiers: ClinVar variation 1982961 (VCV001982961.2), dbSNP rs1468417114, ClinGen allele CA409130288.
Genomic context (GRCh38, chr20:45,025,111, plus strand): 5'-ACAGCTTTGGCAAGAGTGTACCTGGTCCACTGAAAAATTCTTCAGATTGGAAAATACCAC[A>G]GGATGGAGACTACGAGTTTGTAAGTAGTGTTGGAAGTAAATGGTTATGTCTTCAGGGGAA-3'
Protein context (NP_006273.1, residues 419-439): LKNSSDWKIP[Gln429Arg]DGDYEFLKSW